The following is an entry in ClinVar:

NM_001040108.2(MLH3):c.728C>G (p.Ala243Gly)

Gene: MLH3 (mutL homolog 3; minus strand). Cytogenetic location: 14q24.3.
Variant type: single nucleotide variant.
Coding change: c.728C>G on transcript NM_001040108.2 (MANE Select); coding-DNA position 728, C replaced by G.
Protein change: p.Ala243Gly; replaces alanine 243 with glycine.
Molecular consequence: missense variant.
Genome position (GRCh38, 1-based): chr14:75,048,928, G>C on the plus strand (C>G on the coding strand, the complement: MLH3 is on the minus strand). VCF-style: chr14-75048928-G-C. GRCh37 (hg19) VCF-style: chr14-75515631-G-C.
Other names: c.728C>G, p.Ala243Gly (NM_014381.3); short protein forms A243G.
Identifiers: ClinVar variation 2624146 (VCV002624146.4), dbSNP rs200344425, ClinGen allele CA390449401.

ClinVar aggregate classification (germline): Uncertain significance. Review status: criteria provided, multiple submitters, no conflicts (2 of 4 stars). 2 submissions from 2 submitters: Uncertain significance (2). Last evaluated 2024-04-14.

Conditions:
Colorectal cancer, hereditary nonpolyposis, type 7. Identifiers: Orphanet 144, MedGen C1858380, MONDO:0013725, OMIM 614385.

Submissions (2):

Labcorp Genetics (formerly Invitae), Labcorp
Classification: Uncertain significance for Colorectal cancer, hereditary nonpolyposis, type 7. Last evaluated: 2024-04-14. Review status: criteria provided, single submitter. Criteria: Invitae Variant Classification Sherloc (09022015). Collection method: clinical testing. Allele origin: germline.
Comment: This sequence change replaces alanine, which is neutral and non-polar, with glycine, which is neutral and non-polar, at codon 243 of the MLH3 protein (p.Ala243Gly). This variant is not present in population databases (gnomAD no frequency). This variant has not been reported in the literature in individuals affected with MLH3-related conditions. ClinVar contains an entry for this variant (Variation ID: 2624146). An algorithm developed to predict the effect of missense changes on protein structure and function (PolyPhen-2) suggests that this variant is likely to be tolerated. In summary, the available evidence is currently insufficient to determine the role of this variant in disease. Therefore, it has been classified as a Variant of Uncertain Significance.

Ambry Genetics
Classification: Uncertain significance. Last evaluated: 2023-09-08. Review status: criteria provided, single submitter. Criteria: Ambry Variant Classification Scheme 2023. Collection method: clinical testing. Allele origin: germline.
Comment: The p.A243G variant (also known as c.728C>G), located in coding exon 1 of the MLH3 gene, results from a C to G substitution at nucleotide position 728. The alanine at codon 243 is replaced by glycine, an amino acid with similar properties. This amino acid position is not well conserved in available vertebrate species. In addition, this alteration is predicted to be tolerated by in silico analysis. Since supporting evidence is limited at this time, the clinical significance of this alteration remains unclear.